The following is an entry in ClinVar:

NM_001365951.3(KIF1B):c.655G>A (p.Ala219Thr)

Gene: KIF1B (kinesin family member 1B; plus strand). Cytogenetic location: 1p36.22.
Variant type: single nucleotide variant.
Coding change: c.655G>A on transcript NM_001365951.3 (MANE Select); coding-DNA position 655, G replaced by A.
Protein change: p.Ala219Thr; replaces alanine 219 with threonine.
Molecular consequence: missense variant.
Genome position (GRCh38, 1-based): chr1:10,268,198, G>A. VCF-style: chr1-10268198-G-A. GRCh37 (hg19) VCF-style: chr1-10328256-G-A.
Other names: c.655G>A, p.Ala219Thr (NM_001365952.1, NM_001365953.1, NM_015074.3 and 1 more transcripts); short protein forms A219T.
Identifiers: ClinVar variation 2448790 (VCV002448790.2), dbSNP rs1197079538, ClinGen allele CA338330359.

ClinVar aggregate classification (germline): Uncertain significance (1 of 4 stars; one submission).

Allele frequency attached by ClinVar (database versions not stated): gnomAD 0.00001.
gnomAD v4.1: 3 of 1,613,870 alleles (0.00019%); highest among the groups gnomAD compares: African/African-American, 0.0027%; no homozygotes.

Submission:

Ambry Genetics
Classification: Uncertain significance. Last evaluated: 2023-02-24. Review status: criteria provided, single submitter. Criteria: Ambry Variant Classification Scheme 2023. Collection method: clinical testing. Allele origin: germline.
Comment: The p.A219T variant (also known as c.655G>A), located in coding exon 6 of the KIF1B gene, results from a G to A substitution at nucleotide position 655. The alanine at codon 219 is replaced by threonine, an amino acid with similar properties. This amino acid position is conserved. In addition, this alteration is predicted to be deleterious by in silico analysis. Since supporting evidence is limited at this time, the clinical significance of this alteration remains unclear.